The following is an entry in ClinVar:

NM_021830.5(TWNK):c.1954C>T (p.Pro652Ser)

Gene: TWNK (twinkle mtDNA helicase; plus strand). Cytogenetic location: 10q24.31.
Variant type: single nucleotide variant.
Coding change: c.1954C>T on transcript NM_021830.5 (MANE Select); coding-DNA position 1954, C replaced by T.
Protein change: p.Pro652Ser; replaces proline 652 with serine.
Molecular consequence: missense variant. On other transcripts: 3 prime UTR variant (2), non-coding transcript variant (5).
Genome position (GRCh38, 1-based): chr10:100,993,409, C>T. VCF-style: chr10-100993409-C-T. GRCh37 (hg19) VCF-style: chr10-102753166-C-T.
Other names: c.*249C>T (NM_001163812.2, NM_001163814.2); c.592C>T, p.Pro198Ser (NM_001163813.2, NM_001368275.1); short protein forms P652S, P198S.
Identifiers: ClinVar variation 2637473 (VCV002637473.5), dbSNP rs267602340, ClinGen allele CA212965419.

ClinVar aggregate classification (germline): Uncertain significance. Review status: criteria provided, multiple submitters, no conflicts (2 of 4 stars). 3 submissions from 3 submitters: Uncertain significance (3). Last evaluated 2025-11-15.

Allele frequency attached by ClinVar (database versions not stated): gnomAD 0.00002; gnomAD exomes 0.00002.

Submissions (3):

Labcorp Genetics (formerly Invitae), Labcorp
Classification: Uncertain significance. Last evaluated: 2025-11-15. Review status: criteria provided, single submitter. Criteria: Invitae Variant Classification Sherloc (09022015). Collection method: clinical testing. Allele origin: germline.
Comment: This sequence change replaces proline, which is neutral and non-polar, with serine, which is neutral and polar, at codon 652 of the TWNK protein (p.Pro652Ser). This variant is present in population databases (rs267602340, gnomAD 0.002%). This variant has not been reported in the literature in individuals affected with TWNK-related conditions. ClinVar contains an entry for this variant (Variation ID: 2637473). Invitae Evidence Modeling of protein sequence and biophysical properties (such as structural, functional, and spatial information, amino acid conservation, physicochemical variation, residue mobility, and thermodynamic stability) indicates that this missense variant is not expected to disrupt TWNK protein function with a negative predictive value of 95%. In summary, the available evidence is currently insufficient to determine the role of this variant in disease. Therefore, it has been classified as a Variant of Uncertain Significance.

Blueprint Genetics
Classification: Uncertain significance. Last evaluated: 2024-08-22. Review status: criteria provided, single submitter. Criteria: ACMG Guidelines, 2015. Collection method: clinical testing. Allele origin: germline.

Women's Health and Genetics/Laboratory Corporation of America, LabCorp
Classification: Uncertain significance. Last evaluated: 2023-10-25. Review status: criteria provided, single submitter. Criteria: LabCorp Variant Classification Summary - May 2015. Collection method: clinical testing. Allele origin: germline.
Comment: Variant summary: C10orf2 c.1954C>T (p.Pro652Ser) results in a non-conservative amino acid change in the encoded protein sequence. Three of five in-silico tools predict a benign effect of the variant on protein function. The variant allele was found at a frequency of 1.4e-05 in 282816 control chromosomes (gnomAD). The available data on variant occurrences in the general population are insufficient to allow any conclusion about variant significance. To our knowledge, no occurrence of c.1954C>T in individuals affected with Progressive External Ophthalmoplegia With Mitochondrial DNA Deletions, Autosomal Dominant 3 and no experimental evidence demonstrating its impact on protein function have been reported. No submitters have cited clinical-significance assessments for this variant to ClinVar after 2014. Based on the evidence outlined above, the variant was classified as uncertain significance.